The following is an entry in ClinVar:

NM_017617.5(NOTCH1):c.637C>G (p.Pro213Ala)

Gene: NOTCH1 (notch receptor 1; minus strand). Cytogenetic location: 9q34.3.
Variant type: single nucleotide variant.
Coding change: c.637C>G on transcript NM_017617.5 (MANE Select); coding-DNA position 637, C replaced by G.
Protein change: p.Pro213Ala; replaces proline 213 with alanine.
Molecular consequence: missense variant.
Genome position (GRCh38, 1-based): chr9:136,522,955, G>C on the plus strand (C>G on the coding strand, the complement: NOTCH1 is on the minus strand). VCF-style: chr9-136522955-G-C. GRCh37 (hg19) VCF-style: chr9-139417407-G-C.
Other names: short protein forms P213A.
Identifiers: ClinVar variation 1315136 (VCV001315136.3), dbSNP rs1468714810, ClinGen allele CA375569745.
Genomic context (GRCh38, chr9:136,522,955, plus strand): 5'-AGGTGCCCCCGTTCTGGCAGGGCGAGGGGCTGCAGGGCACGTAGGGCCGCTCGCAGTTGG[G>C]GCCAGTGTGGGTGGCGCGGCAGACGCAGCGGTAGGAGCCGACCTCGTTGTGGCAGGTGCC-3'
Protein context (NP_060087.3, residues 203-223): RCVCRATHTG[Pro213Ala]NCERPYVPCS

ClinVar aggregate classification (germline): Uncertain significance. Review status: criteria provided, multiple submitters, no conflicts (2 of 4 stars). 2 submissions from 2 submitters: Uncertain significance (2). Last evaluated 2025-08-18.

Conditions:
Adams-Oliver syndrome 5 (AOS5). Identifiers: Orphanet 974, MedGen C4014970, MONDO:0014459, OMIM 616028.

Allele frequency attached by ClinVar (database versions not stated): gnomAD 0.00001; TOPMed 0.00001.
gnomAD v4.1: 11 of 1,557,624 alleles (0.00071%); highest among the groups gnomAD compares: Non-Finnish European, 0.00096%; no homozygotes.

Submissions (2):

Labcorp Genetics (formerly Invitae), Labcorp
Classification: Uncertain significance for Adams-Oliver syndrome 5. Last evaluated: 2025-08-18. Review status: criteria provided, single submitter. Criteria: Invitae Variant Classification Sherloc (09022015). Collection method: clinical testing. Allele origin: germline.
Comment: This sequence change replaces proline, which is neutral and non-polar, with alanine, which is neutral and non-polar, at codon 213 of the NOTCH1 protein (p.Pro213Ala). This variant is not present in population databases (gnomAD no frequency). This variant has not been reported in the literature in individuals affected with NOTCH1-related conditions. ClinVar contains an entry for this variant (Variation ID: 1315136). Invitae Evidence Modeling of protein sequence and biophysical properties (such as structural, functional, and spatial information, amino acid conservation, physicochemical variation, residue mobility, and thermodynamic stability) indicates that this missense variant is not expected to disrupt NOTCH1 protein function with a negative predictive value of 95%. In summary, the available evidence is currently insufficient to determine the role of this variant in disease. Therefore, it has been classified as a Variant of Uncertain Significance.

GeneDx
Classification: Uncertain significance. Last evaluated: 2020-01-30. Review status: criteria provided, single submitter. Criteria: GeneDx Variant Classification Process June 2021. Collection method: clinical testing. Allele origin: germline. Affected: yes.
Comment: Has not been previously published as pathogenic or benign to our knowledge; Not observed in large population cohorts (Lek et al., 2016); In silico analysis, which includes protein predictors and evolutionary conservation, supports that this variant does not alter protein structure/function